The following is an entry in ClinVar:

ClinVar aggregate classification (germline): Uncertain significance (1 of 4 stars; one submission).

Submission:

GeneDx
Classification: Uncertain significance. Last evaluated: 2025-10-01. Review status: criteria provided, single submitter. Criteria: GeneDx Variant Classification Process June 2021. Collection method: clinical testing. Allele origin: germline.
Comment: Not observed at significant frequency in large population cohorts (gnomAD); In silico analysis supports that this missense variant has a deleterious effect on protein structure/function; In silico analysis is inconclusive as to whether the variant alters gene splicing. In the absence of RNA/functional studies, the actual effect of this sequence change is unknown.; Has not been previously published as pathogenic or benign to our knowledge

NM_001042492.3(NF1):c.5786A>G (p.Glu1929Gly)

Gene: NF1 (neurofibromin 1; plus strand). Cytogenetic location: 17q11.2.
Variant type: single nucleotide variant.
Coding change: c.5786A>G on transcript NM_001042492.3 (MANE Select); coding-DNA position 5786, A replaced by G.
Protein change: p.Glu1929Gly; replaces glutamic acid 1929 with glycine.
Molecular consequence: missense variant.
Genome position (GRCh38, 1-based): chr17:31,330,472, A>G. VCF-style: chr17-31330472-A-G. GRCh37 (hg19) VCF-style: chr17-29657490-A-G.
Other names: c.5723A>G, p.Glu1908Gly (NM_000267.4); short protein forms E1908G, E1929G.
Identifiers: ClinVar variation 3360310 (VCV003360310.2).